The following is an entry in ClinVar:

ClinVar aggregate classification (germline): Uncertain significance (1 of 4 stars; one submission).

Conditions:
Symmetrical dyschromatosis of extremities (DSH). Also called: Dyschromatosis symmetrica hereditaria; DYSCHROMATOSIS SYMMETRICA HEREDITARIA 1; RETICULATE ACROPIGMENTATION OF DOHI; SYMMETRIC DYSCHROMATOSIS OF THE EXTREMITIES. Identifiers: Orphanet 41, MedGen C0406775, MONDO:0007483, OMIM 127400.
Aicardi-Goutieres syndrome 6 (AGS6). Identifiers: Orphanet 51, MedGen C3539013, MONDO:0014007, OMIM 615010.

Allele frequency attached by ClinVar (database versions not stated): gnomAD exomes below 0.00001.
gnomAD v4.1: 6 of 1,614,108 alleles (0.00037%); highest among the groups gnomAD compares: African/African-American, 0.008%; no homozygotes.

Submission:

Labcorp Genetics (formerly Invitae), Labcorp
Classification: Uncertain significance for Aicardi-Goutieres syndrome 6; Symmetrical dyschromatosis of extremities. Last evaluated: 2023-08-04. Review status: criteria provided, single submitter. Criteria: Invitae Variant Classification Sherloc (09022015). Collection method: clinical testing. Allele origin: germline.
Comment: In summary, the available evidence is currently insufficient to determine the role of this variant in disease. Therefore, it has been classified as a Variant of Uncertain Significance. Advanced modeling of protein sequence and biophysical properties (such as structural, functional, and spatial information, amino acid conservation, physicochemical variation, residue mobility, and thermodynamic stability) performed at Invitae indicates that this missense variant is not expected to disrupt ADAR protein function. ClinVar contains an entry for this variant (Variation ID: 1348717). This variant has not been reported in the literature in individuals affected with ADAR-related conditions. This variant is not present in population databases (gnomAD no frequency). This sequence change replaces alanine, which is neutral and non-polar, with threonine, which is neutral and polar, at codon 549 of the ADAR protein (p.Ala549Thr).

NM_001111.5(ADAR):c.1645G>A (p.Ala549Thr)

Gene: ADAR (adenosine deaminase RNA specific; minus strand). Cytogenetic location: 1q21.3.
Variant type: single nucleotide variant.
Coding change: c.1645G>A on transcript NM_001111.5 (MANE Select); coding-DNA position 1645, G replaced by A.
Protein change: p.Ala549Thr; replaces alanine 549 with threonine.
Molecular consequence: missense variant.
Genome position (GRCh38, 1-based): chr1:154,598,542, C>T on the plus strand (G>A on the coding strand, the complement: ADAR is on the minus strand). VCF-style: chr1-154598542-C-T. GRCh37 (hg19) VCF-style: chr1-154571018-C-T.
Other names: c.760G>A, p.Ala254Thr (NM_001025107.3, NM_001193495.2, NM_001365046.1 and 3 more transcripts); c.1672G>A, p.Ala558Thr (NM_001365045.1); c.1645G>A, p.Ala549Thr (NM_015840.4, NM_015841.4); short protein forms A549T, A558T, A254T.
Identifiers: ClinVar variation 1348717 (VCV001348717.8), dbSNP rs892495161, ClinGen allele CA30862056.